The following is an entry in ClinVar:

NM_004006.3(DMD):c.2090A>G (p.Lys697Arg)

Gene: DMD (dystrophin; minus strand). Cytogenetic location: Xp21.1.
Variant type: single nucleotide variant.
Coding change: c.2090A>G on transcript NM_004006.3 (MANE Select); coding-DNA position 2090, A replaced by G.
Protein change: p.Lys697Arg; replaces lysine 697 with arginine.
Molecular consequence: missense variant.
Genome position (GRCh38, 1-based): chrX:32,545,237, T>C on the plus strand (A>G on the coding strand, the complement: DMD is on the minus strand). VCF-style: chrX-32545237-T-C. GRCh37 (hg19) VCF-style: chrX-32563354-T-C.
Other names: c.2066A>G, p.Lys689Arg (NM_000109.4); c.2078A>G, p.Lys693Arg (NM_004009.3); c.1721A>G, p.Lys574Arg (NM_004010.3); short protein forms K574R, K689R, K693R, K697R.
Identifiers: ClinVar variation 1001994 (VCV001001994.10), dbSNP rs769193495, ClinGen allele CA10379642.
Genomic context (GRCh38, chrX:32,545,237, plus strand): 5'-TCCACAGTAATCTGCCTCTTCTTTTGGGGAGGTGGTGGTGGAAGTTCCTCTTGAGCATGC[T>C]TTACCAGGATCTGTTCCCTTGTGGTCACCGTAGTTACTGTTTCCATTACAGTTGTCTGTG-3'
Protein context (NP_003997.2, residues 687-707): TVTTREQILV[Lys697Arg]HAQEELPPPP

ClinVar aggregate classification (germline): Uncertain significance. Review status: criteria provided, single submitter (1 of 4 stars). 2 submissions from 2 submitters: Uncertain significance (1). 1 of the submissions does not count toward it. Last evaluated 2022-09-07.

Conditions:
Duchenne muscular dystrophy (DMD). Also called: MUSCULAR DYSTROPHY, PSEUDOHYPERTROPHIC PROGRESSIVE, DUCHENNE TYPE; Duchenne Muscular Dystrophy (DMD). Identifiers: Orphanet 98896, MedGen C0013264, MONDO:0010679, OMIM 310200.
Dystrophin deficiency.
Becker muscular dystrophy (BMD). Also called: MUSCULAR DYSTROPHY, PSEUDOHYPERTROPHIC PROGRESSIVE, BECKER TYPE; Becker Muscular Dystrophy (BMD). Identifiers: Orphanet 98895, MedGen C0917713, MONDO:0010311, OMIM 300376.
Cardiomyopathy (CMYO). Also called: Cardiomyopathies. Identifiers: Orphanet 167848, MedGen C0878544, MONDO:0004994, HP:0001638. Inheritance: Various modes of inheritance.

Allele frequency attached by ClinVar (database versions not stated): TOPMed below 0.00001; ExAC 0.00001; gnomAD exomes 0.00001.
gnomAD v4.1: 2 of 1,210,432 alleles (0.00017%); highest among the groups gnomAD compares: Non-Finnish European, 0.00022%; no homozygotes.

Submissions (2):

Labcorp Genetics (formerly Invitae), Labcorp
Classification: Uncertain significance for Duchenne muscular dystrophy. Last evaluated: 2022-09-07. Review status: criteria provided, single submitter. Criteria: Invitae Variant Classification Sherloc (09022015). Collection method: clinical testing. Allele origin: germline.
Comment: This sequence change replaces lysine, which is basic and polar, with arginine, which is basic and polar, at codon 697 of the DMD protein (p.Lys697Arg). This variant is present in population databases (rs769193495, gnomAD 0.001%). This variant has not been reported in the literature in individuals affected with DMD-related conditions. ClinVar contains an entry for this variant (Variation ID: 1001994). Algorithms developed to predict the effect of missense changes on protein structure and function are either unavailable or do not agree on the potential impact of this missense change (SIFT: "Tolerated"; PolyPhen-2: "Possibly Damaging"; Align-GVGD: "Class C0"). Algorithms developed to predict the effect of sequence changes on RNA splicing suggest that this variant may create or strengthen a splice site. In summary, the available evidence is currently insufficient to determine the role of this variant in disease. Therefore, it has been classified as a Variant of Uncertain Significance.

Natera, Inc.
Classification: Uncertain significance for Becker muscular dystrophy; Cardiomyopathy; Duchenne muscular dystrophy; Dystrophin deficiency. Last evaluated: 2019-10-15. Review status: no assertion criteria provided. Collection method: clinical testing. Allele origin: germline. Not counted in ClinVar's aggregate classification.